The following is an entry in ClinVar:

NM_001379200.1(TBX1):c.1066C>A (p.Arg356Ser)

Gene: TBX1 (T-box transcription factor 1; plus strand). Cytogenetic location: 22q11.21.
Variant type: single nucleotide variant.
Coding change: c.1066C>A on transcript NM_001379200.1 (MANE Select); coding-DNA position 1066, C replaced by A.
Protein change: p.Arg356Ser; replaces arginine 356 with serine.
Molecular consequence: missense variant. On other transcripts: intron variant (2).
Genome position (GRCh38, 1-based): chr22:19,766,418, C>A. VCF-style: chr22-19766418-C-A. GRCh37 (hg19) VCF-style: chr22-19753941-C-A.
Other names: c.1039C>A, p.Arg347Ser (NM_080647.1); c.1009+416C>A (NM_005992.1, NM_080646.2); short protein forms R356S, R347S.
Identifiers: ClinVar variation 956766 (VCV000956766.9), dbSNP rs1046395605, ClinGen allele CA322058098.

ClinVar aggregate classification (germline): Uncertain significance (1 of 4 stars; one submission).

Conditions:
DiGeorge syndrome. Also called: THIRD AND FOURTH PHARYNGEAL POUCH SYNDROME; Catch22. Identifiers: Orphanet 567, MedGen C0012236, MONDO:0008564, OMIM 188400.

Allele frequency attached by ClinVar (database versions not stated): TOPMed 0.00002.
gnomAD v4.1: 8 of 1,343,218 alleles (0.0006%); highest among the groups gnomAD compares: South Asian, 0.0017%; no homozygotes.

Submission:

Labcorp Genetics (formerly Invitae), Labcorp
Classification: Uncertain significance for DiGeorge syndrome. Last evaluated: 2024-06-06. Review status: criteria provided, single submitter. Criteria: Invitae Variant Classification Sherloc (09022015). Collection method: clinical testing. Allele origin: germline.
Comment: This sequence change replaces arginine, which is basic and polar, with serine, which is neutral and polar, at codon 347 of the TBX1 protein (p.Arg347Ser). This variant is not present in population databases (gnomAD no frequency). This variant has not been reported in the literature in individuals affected with TBX1-related conditions. ClinVar contains an entry for this variant (Variation ID: 956766). An algorithm developed to predict the effect of missense changes on protein structure and function (PolyPhen-2) suggests that this variant is likely to be disruptive. In summary, the available evidence is currently insufficient to determine the role of this variant in disease. Therefore, it has been classified as a Variant of Uncertain Significance.